The following is an entry in ClinVar:

NM_001849.4(COL6A2):c.2797C>T (p.Arg933Cys)

Gene: COL6A2 (collagen type VI alpha 2 chain; plus strand). Cytogenetic location: 21q22.3.
Variant type: single nucleotide variant.
Coding change: c.2797C>T on transcript NM_001849.4 (MANE Select); coding-DNA position 2797, C replaced by T.
Protein change: p.Arg933Cys; replaces arginine 933 with cysteine.
Molecular consequence: missense variant.
Genome position (GRCh38, 1-based): chr21:46,132,289, C>T. VCF-style: chr21-46132289-C-T. GRCh37 (hg19) VCF-style: chr21-47552203-C-T.
Other names: short protein forms R933C.
Identifiers: ClinVar variation 1494531 (VCV001494531.8), dbSNP rs1321329142, ClinGen allele CA410549759.

ClinVar aggregate classification (germline): Uncertain significance (1 of 4 stars; one submission).

Conditions:
Bethlem myopathy 1A. Also called: Bethlem myopathy 1; Bethlem Muscular Dystrophy; MYOPATHY, BENIGN CONGENITAL, WITH CONTRACTURES. Identifiers: Orphanet 610, MedGen CN029274, MONDO:0024530, OMIM 158810.

Submission:

Labcorp Genetics (formerly Invitae), Labcorp
Classification: Uncertain significance for Bethlem myopathy 1A. Last evaluated: 2021-01-21. Review status: criteria provided, single submitter. Criteria: Invitae Variant Classification Sherloc (09022015). Collection method: clinical testing. Allele origin: germline.
Comment: This variant is not present in population databases (ExAC no frequency). This sequence change replaces arginine with cysteine at codon 933 of the COL6A2 protein (p.Arg933Cys). The arginine residue is weakly conserved and there is a large physicochemical difference between arginine and cysteine. This variant has not been reported in the literature in individuals with COL6A2-related conditions. In summary, the available evidence is currently insufficient to determine the role of this variant in disease. Therefore, it has been classified as a Variant of Uncertain Significance. Advanced modeling of protein sequence and biophysical properties (such as structural, functional, and spatial information, amino acid conservation, physicochemical variation, residue mobility, and thermodynamic stability) performed at Invitae indicates that this missense variant is not expected to disrupt COL6A2 protein function.